The following is an entry in ClinVar:

ClinVar aggregate classification (germline): Uncertain significance (1 of 4 stars; one submission).

Allele frequency attached by ClinVar (database versions not stated): gnomAD 0.00002 and 0.00003; gnomAD exomes 0.00002 and 0.00003; ExAC 0.00003; TOPMed 0.00005; ESP Exome Variant Server 0.00009.
gnomAD v4.1: 33 of 1,207,815 alleles (0.0027%); highest among the groups gnomAD compares: Non-Finnish European, 0.0034%; no homozygotes.

Submission:

Labcorp Genetics (formerly Invitae), Labcorp
Classification: Uncertain significance. Last evaluated: 2025-03-17. Review status: criteria provided, single submitter. Criteria: Invitae Variant Classification Sherloc (09022015). Collection method: clinical testing. Allele origin: germline.
Comment: This sequence change replaces arginine, which is basic and polar, with glutamine, which is neutral and polar, at codon 435 of the MSN protein (p.Arg435Gln). The frequency data for this variant in the population databases is considered unreliable, as metrics indicate poor data quality at this position in the gnomAD database. This variant has not been reported in the literature in individuals affected with MSN-related conditions. ClinVar contains an entry for this variant (Variation ID: 1513366). An algorithm developed to predict the effect of missense changes on protein structure and function (PolyPhen-2) suggests that this variant is likely to be tolerated. In summary, the available evidence is currently insufficient to determine the role of this variant in disease. Therefore, it has been classified as a Variant of Uncertain Significance.

NM_002444.3(MSN):c.1304G>A (p.Arg435Gln)

Gene: MSN (moesin; plus strand). Cytogenetic location: Xq12.
Variant type: single nucleotide variant.
Coding change: c.1304G>A on transcript NM_002444.3 (MANE Select); coding-DNA position 1304, G replaced by A.
Protein change: p.Arg435Gln; replaces arginine 435 with glutamine.
Molecular consequence: missense variant.
Genome position (GRCh38, 1-based): chrX:65,738,577, G>A. VCF-style: chrX-65738577-G-A. GRCh37 (hg19) VCF-style: chrX-64958439-G-A.
Other names: short protein forms R435Q.
Identifiers: ClinVar variation 1513366 (VCV001513366.8), dbSNP rs371555667, ClinGen allele CA10434656.